The following is an entry in ClinVar:

NM_000096.4(CP):c.2741T>A (p.Leu914Gln)

Gene: CP (ceruloplasmin; minus strand). Cytogenetic location: 3q24.
Variant type: single nucleotide variant.
Coding change: c.2741T>A on transcript NM_000096.4 (MANE Select); coding-DNA position 2741, T replaced by A.
Protein change: p.Leu914Gln; replaces leucine 914 with glutamine.
Molecular consequence: missense variant. On other transcripts: non-coding transcript variant (1).
Genome position (GRCh38, 1-based): chr3:149,178,552, A>T on the plus strand (T>A on the coding strand, the complement: CP is on the minus strand). VCF-style: chr3-149178552-A-T. GRCh37 (hg19) VCF-style: chr3-148896339-A-T.
Other names: c.2741T>A (NM_000096.3); short protein forms L914Q.
Identifiers: ClinVar variation 2063174 (VCV002063174.5), dbSNP rs147434775, ClinGen allele CA2660640.

ClinVar aggregate classification (germline): Uncertain significance. Review status: criteria provided, multiple submitters, no conflicts (2 of 4 stars). 2 submissions from 2 submitters: Uncertain significance (2). Last evaluated 2025-01-29.

Conditions:
Inborn genetic diseases. Identifiers: MedGen C0950123, MeSH D030342.
Deficiency of ferroxidase (ACEP). Also called: NEURODEGENERATION WITH BRAIN IRON ACCUMULATION 10; Deficiency of ceruloplasmin; Aceruloplasminemia; Ceruloplasmin deficiency; Familial apoceruloplasmin deficiency; Hereditary ceruloplasmin deficiency. Identifiers: Orphanet 48818, MedGen C0878682, MONDO:0011426, OMIM 604290, HP:0025498.

Allele frequency attached by ClinVar (database versions not stated): gnomAD 0.00001; TOPMed 0.00002; ExAC 0.00002; ESP Exome Variant Server 0.00015.

Submissions (2):

Ambry Genetics
Classification: Uncertain significance for Inborn genetic diseases. Last evaluated: 2025-01-29. Review status: criteria provided, single submitter. Criteria: Ambry Variant Classification Scheme 2023. Collection method: clinical testing. Allele origin: germline.

Labcorp Genetics (formerly Invitae), Labcorp
Classification: Uncertain significance for Deficiency of ferroxidase. Last evaluated: 2024-02-24. Review status: criteria provided, single submitter. Criteria: Invitae Variant Classification Sherloc (09022015). Collection method: clinical testing. Allele origin: germline.
Comment: This sequence change replaces leucine, which is neutral and non-polar, with glutamine, which is neutral and polar, at codon 914 of the CP protein (p.Leu914Gln). This variant is present in population databases (rs147434775, gnomAD 0.003%). This variant has not been reported in the literature in individuals affected with CP-related conditions. ClinVar contains an entry for this variant (Variation ID: 2063174). Advanced modeling of protein sequence and biophysical properties (such as structural, functional, and spatial information, amino acid conservation, physicochemical variation, residue mobility, and thermodynamic stability) performed at Invitae indicates that this missense variant is not expected to disrupt CP protein function with a negative predictive value of 80%. In summary, the available evidence is currently insufficient to determine the role of this variant in disease. Therefore, it has been classified as a Variant of Uncertain Significance.